The following is an entry in ClinVar:

ClinVar aggregate classification (germline): Uncertain significance. Review status: criteria provided, multiple submitters, no conflicts (2 of 4 stars). 3 submissions from 3 submitters: Uncertain significance (2). 1 of the submissions does not count toward it. Last evaluated 2024-06-04.

Conditions:
Glycine encephalopathy. Also called: Nonketotic hyperglycinemia; Non-ketotic hyperglycinemia. Identifiers: Orphanet 407, MedGen C0751748, MONDO:0011612, HP:0008288.

Allele frequency attached by ClinVar (database versions not stated): gnomAD 0.00004 and 0.00005; gnomAD exomes 0.00006 and 0.00015; TOPMed 0.00006; ExAC 0.00012.

Submissions (3):

Labcorp Genetics (formerly Invitae), Labcorp
Classification: Uncertain significance for Glycine encephalopathy. Last evaluated: 2024-06-04. Review status: criteria provided, single submitter. Criteria: Invitae Variant Classification Sherloc (09022015). Collection method: clinical testing. Allele origin: germline.
Comment: This sequence change replaces threonine, which is neutral and polar, with isoleucine, which is neutral and non-polar, at codon 475 of the GLDC protein (p.Thr475Ile). This variant is present in population databases (rs750883330, gnomAD 0.2%). This variant has not been reported in the literature in individuals affected with GLDC-related conditions. ClinVar contains an entry for this variant (Variation ID: 367192). Advanced modeling of protein sequence and biophysical properties (such as structural, functional, and spatial information, amino acid conservation, physicochemical variation, residue mobility, and thermodynamic stability) performed at Invitae indicates that this missense variant is not expected to disrupt GLDC protein function with a negative predictive value of 80%. In summary, the available evidence is currently insufficient to determine the role of this variant in disease. Therefore, it has been classified as a Variant of Uncertain Significance.

GeneDx
Classification: Uncertain significance. Last evaluated: 2021-02-09. Review status: criteria provided, single submitter. Criteria: GeneDx Variant Classification Process June 2021. Collection method: clinical testing. Allele origin: germline. Affected: yes.
Comment: In silico analysis, which includes protein predictors and evolutionary conservation, supports a deleterious effect; Has not been previously published as pathogenic or benign to our knowledge

Natera, Inc.
Classification: Uncertain significance for Non-ketotic hyperglycinemia. Last evaluated: 2020-01-15. Review status: no assertion criteria provided. Collection method: clinical testing. Allele origin: germline. Not counted in ClinVar's aggregate classification.

NM_000170.3(GLDC):c.1424C>T (p.Thr475Ile)

Gene: GLDC (glycine decarboxylase; minus strand). Cytogenetic location: 9p24.1.
Variant type: single nucleotide variant.
Coding change: c.1424C>T on transcript NM_000170.3 (MANE Select); coding-DNA position 1424, C replaced by T.
Protein change: p.Thr475Ile; replaces threonine 475 with isoleucine.
Molecular consequence: missense variant.
Genome position (GRCh38, 1-based): chr9:6,592,201, G>A on the plus strand (C>T on the coding strand, the complement: GLDC is on the minus strand). VCF-style: chr9-6592201-G-A. GRCh37 (hg19) VCF-style: chr9-6592201-G-A.
Other names: short protein forms T475I.
Identifiers: ClinVar variation 367192 (VCV000367192.13), dbSNP rs750883330, ClinGen allele CA4980713.